The following is an entry in ClinVar:

NM_004304.5(ALK):c.560T>A (p.Ile187Asn)

Gene: ALK (ALK receptor tyrosine kinase; minus strand). Cytogenetic location: 2p23.1.
Variant type: single nucleotide variant.
Coding change: c.560T>A on transcript NM_004304.5 (MANE Select); coding-DNA position 560, T replaced by A.
Protein change: p.Ile187Asn; replaces isoleucine 187 with asparagine.
Molecular consequence: missense variant.
Genome position (GRCh38, 1-based): chr2:29,920,100, A>T on the plus strand (T>A on the coding strand, the complement: ALK is on the minus strand). VCF-style: chr2-29920100-A-T. GRCh37 (hg19) VCF-style: chr2-30142966-A-T.
Other names: short protein forms I187N.
Identifiers: ClinVar variation 1371067 (VCV001371067.6), dbSNP rs2148442990, ClinGen allele CA346589798.

ClinVar aggregate classification (germline): Uncertain significance (1 of 4 stars; one submission).

Conditions:
Neuroblastoma, susceptibility to, 3. Also called: ALK-Related Neuroblastic Tumor Susceptibility. Identifiers: Orphanet 635, MedGen C2751681, MONDO:0013083, OMIM 613014.

Submission:

Labcorp Genetics (formerly Invitae), Labcorp
Classification: Uncertain significance for Neuroblastoma, susceptibility to, 3. Last evaluated: 2021-07-30. Review status: criteria provided, single submitter. Criteria: Invitae Variant Classification Sherloc (09022015). Collection method: clinical testing. Allele origin: germline.
Comment: This sequence change replaces isoleucine with asparagine at codon 187 of the ALK protein (p.Ile187Asn). The isoleucine residue is moderately conserved and there is a large physicochemical difference between isoleucine and asparagine. This variant is not present in population databases (ExAC no frequency). This variant has not been reported in the literature in individuals affected with ALK-related conditions. Algorithms developed to predict the effect of missense changes on protein structure and function are either unavailable or do not agree on the potential impact of this missense change (SIFT: "Deleterious"; PolyPhen-2: "Possibly Damaging"; Align-GVGD: "Class C0"). In summary, the available evidence is currently insufficient to determine the role of this variant in disease. Therefore, it has been classified as a Variant of Uncertain Significance.